The following is an entry in ClinVar:

ClinVar aggregate classification (germline): Likely pathogenic (1 of 4 stars; one submission).

Conditions:
Autosomal recessive limb-girdle muscular dystrophy type 2J (LGMDR10). Also called: Limb-girdle muscular dystrophy, type 2J; MUSCULAR DYSTROPHY, LIMB-GIRDLE, AUTOSOMAL RECESSIVE 10. Identifiers: Orphanet 140922, MedGen C1837342, MONDO:0012127, OMIM 608807.
Dilated cardiomyopathy 1G (CMD1G). Identifiers: Orphanet 154, MedGen C1858763, MONDO:0011400, OMIM 604145.

Submission:

Labcorp Genetics (formerly Invitae), Labcorp
Classification: Likely pathogenic for Dilated cardiomyopathy 1G; Autosomal recessive limb-girdle muscular dystrophy type 2J. Last evaluated: 2025-12-24. Review status: criteria provided, single submitter. Criteria: Invitae Variant Classification Sherloc (09022015). Collection method: clinical testing. Allele origin: germline.
Comment: This sequence change creates a premature translational stop signal (p.Thr30188Argfs*101) in the TTN gene. While this is not anticipated to result in nonsense mediated decay, it is expected to create a truncated TTN protein. This variant is not present in population databases (gnomAD no frequency). This variant has not been reported in the literature in individuals affected with TTN-related conditions. This variant is located in the A band of TTN (PMID: 25589632). Truncating variants in this region are significantly overrepresented in patients affected with dilated cardiomyopathy (PMID: 25589632). Truncating variants in this region have also been reported in individuals affected with autosomal recessive centronuclear myopathy (PMID: 23975875). In summary, the currently available evidence indicates that the variant is pathogenic, but additional data are needed to prove that conclusively. Therefore, this variant has been classified as Likely Pathogenic.

Literature cited by the submitters: PubMed 25589632; PubMed 23975875.

NM_001267550.2(TTN):c.90563_90566del (p.Thr30188fs)

Genes: TTN (titin; minus strand), TTN-AS1 (TTN antisense RNA 1; plus strand). Cytogenetic location: 2q31.2.
Variant type: Deletion.
Coding change: c.90563_90566del on transcript NM_001267550.2 (MANE Select); coding-DNA positions 90563 to 90566, 4 bases deleted (CTTT; older notation c.90563_90566delCTTT).
Protein change: p.Thr30188fs; shifts the reading frame from threonine 30188.
Molecular consequence: frameshift variant.
Genome position (GRCh38, 1-based): chr2:178,552,334-178,552,337, AAAG deleted on the plus strand (CTTT on the coding strand, the reverse complement: TTN is on the minus strand). VCF-style (leftmost placement, unchanged base first): chr2-178552333-CAAAG-C. GRCh37 (hg19) VCF-style: chr2-179417060-CAAAG-C.
Other names: c.85640_85643del, p.Thr28547fs (NM_001256850.1); c.63368_63371del, p.Thr21123fs (NM_003319.4); c.82859_82862del, p.Thr27620fs (NM_133378.4); c.63743_63746del, p.Thr21248fs (NM_133432.3); c.63944_63947del, p.Thr21315fs (NM_133437.4); short protein forms T21315fs, T30188fs, T21248fs, T27620fs, T28547fs, T21123fs.
Identifiers: ClinVar variation 4787124 (VCV004787124.1).